The following is an entry in ClinVar:

NM_014946.4(SPAST):c.968A>G (p.Asn323Ser)

Gene: SPAST (spastin; plus strand). Cytogenetic location: 2p22.3.
Variant type: single nucleotide variant.
Coding change: c.968A>G on transcript NM_014946.4 (MANE Select); coding-DNA position 968, A replaced by G.
Protein change: p.Asn323Ser; replaces asparagine 323 with serine.
Molecular consequence: missense variant.
Genome position (GRCh38, 1-based): chr2:32,115,799, A>G. VCF-style: chr2-32115799-A-G. GRCh37 (hg19) VCF-style: chr2-32340868-A-G.
Other names: c.965A>G, p.Asn322Ser (NM_001363823.2); c.869A>G, p.Asn290Ser (NM_001363875.2); c.872A>G, p.Asn291Ser (NM_001377959.1, NM_199436.2); short protein forms N290S, N291S, N322S, N323S.
Identifiers: ClinVar variation 3623803 (VCV003623803.2).
Genomic context (GRCh38, chr2:32,115,799, plus strand): 5'-CCCCTACAACTGCTACTCGTAAGAAAAAAGACTTGAAGAATTTTAGGAATGTGGACAGCA[A>G]CCTTGCTAACCTTATAATGAATGAAATTGTGGACAAGTAAGTTTTGCCATCTAAATGTTT-3'
Protein context (NP_055761.2, residues 313-333): DLKNFRNVDS[Asn323Ser]LANLIMNEIV

ClinVar aggregate classification (germline): Uncertain significance (1 of 4 stars; one submission).

Conditions:
Hereditary spastic paraplegia 4. Also called: Familial spastic paraplegia autosomal dominant 2; Spastic paraplegia 4, autosomal dominant; Spastic Paraplegia 4. Identifiers: Orphanet 100985, MedGen C1866855, MONDO:0008438, OMIM 182601.

Submission:

Labcorp Genetics (formerly Invitae), Labcorp
Classification: Uncertain significance for Hereditary spastic paraplegia 4. Last evaluated: 2024-04-16. Review status: criteria provided, single submitter. Criteria: Invitae Variant Classification Sherloc (09022015). Collection method: clinical testing. Allele origin: germline.
Comment: This sequence change replaces asparagine, which is neutral and polar, with serine, which is neutral and polar, at codon 323 of the SPAST protein (p.Asn323Ser). This variant is not present in population databases (gnomAD no frequency). This variant has not been reported in the literature in individuals affected with SPAST-related conditions. Advanced modeling of protein sequence and biophysical properties (such as structural, functional, and spatial information, amino acid conservation, physicochemical variation, residue mobility, and thermodynamic stability) performed at Invitae indicates that this missense variant is not expected to disrupt SPAST protein function with a negative predictive value of 80%. In summary, the available evidence is currently insufficient to determine the role of this variant in disease. Therefore, it has been classified as a Variant of Uncertain Significance.